The following is an entry in ClinVar:

NM_000138.5(FBN1):c.494G>C (p.Arg165Pro)

Gene: FBN1 (fibrillin 1; minus strand). Cytogenetic location: 15q21.1.
Variant type: single nucleotide variant.
Coding change: c.494G>C on transcript NM_000138.5 (MANE Select); coding-DNA position 494, G replaced by C.
Protein change: p.Arg165Pro; replaces arginine 165 with proline.
Molecular consequence: missense variant.
Genome position (GRCh38, 1-based): chr15:48,596,327, C>G on the plus strand (G>C on the coding strand, the complement: FBN1 is on the minus strand). VCF-style: chr15-48596327-C-G. GRCh37 (hg19) VCF-style: chr15-48888524-C-G.
Other names: short protein forms R165P.
Identifiers: ClinVar variation 406352 (VCV000406352.11), dbSNP rs1060501079, ClinGen allele CA16614534.

ClinVar aggregate classification (germline): Conflicting classifications of pathogenicity. Review status: criteria provided, conflicting classifications (1 of 4 stars). 2 submissions from 2 submitters: Pathogenic (1); Uncertain significance (1). Last evaluated 2024-07-01.

Conditions:
Marfan syndrome (MFS). Also called: Marfan syndrome, classic; Marfan syndrome type 1; Marfan's syndrome; MARFAN SYNDROME, TYPE I; FBN1-Related Marfan Syndrome. Identifiers: Orphanet 284963, Orphanet 558, MedGen C0024796, MONDO:0007947, OMIM 154700.
Familial thoracic aortic aneurysm and aortic dissection (TAAD). Also called: Thoracic aortic aneurysms and dissections. Identifiers: Orphanet 91387, MedGen C4707243, MONDO:0019625.

Submissions (2):

Labcorp Genetics (formerly Invitae), Labcorp
Classification: Pathogenic for Marfan syndrome; Familial thoracic aortic aneurysm and aortic dissection. Last evaluated: 2024-07-01. Review status: criteria provided, single submitter. Criteria: Invitae Variant Classification Sherloc (09022015). Collection method: clinical testing. Allele origin: germline.
Comment: This sequence change replaces arginine, which is basic and polar, with proline, which is neutral and non-polar, at codon 165 of the FBN1 protein (p.Arg165Pro). This variant is not present in population databases (gnomAD no frequency). This missense change has been observed in individual(s) with clinical features of Marfan syndrome and/or Marfan syndrome (PMID: 31279624; Invitae). ClinVar contains an entry for this variant (Variation ID: 406352). Advanced modeling of protein sequence and biophysical properties (such as structural, functional, and spatial information, amino acid conservation, physicochemical variation, residue mobility, and thermodynamic stability) performed at Invitae indicates that this missense variant is expected to disrupt FBN1 protein function with a positive predictive value of 95%. This variant disrupts the p.Arg165 amino acid residue in FBN1. Other variant(s) that disrupt this residue have been determined to be pathogenic (Invitae). This suggests that this residue is clinically significant, and that variants that disrupt this residue are likely to be disease-causing. For these reasons, this variant has been classified as Pathogenic.

GeneDx
Classification: Uncertain significance. Last evaluated: 2017-05-24. Review status: criteria provided, single submitter. Criteria: GeneDx Variant Classification (06012015). Collection method: clinical testing. Allele origin: germline. Affected: yes.
Comment: The R165P variant of uncertain significance in the FBN1 gene has not been published as pathogenic or been reported as benign to our knowledge. This variant was not observed in large population cohorts (Lek et al., 2016; 1000 Genomes Consortium et al., 2015; Exome Variant Server), indicating it is not a common benign variant. The R165P variant is a non-conservative amino acid substitution, which is likely to impact secondary protein structure as these residues differ in polarity, charge, size and/or other properties. Additionally, this substitution occurs at a position that is highly conserved across species and in silico analysis predicts this variant is probably damaging to the protein structure/function. Finally, although the R165P variant is within an EGF-like domain of the FBN1 gene, it does not affect a Cysteine residue, as the majority of pathogenic missense changes associated with Marfan syndrome do (Collod-Beroud et al., 2003).Therefore, based on the currently available information, it is unclear whether this variant is pathogenic or rare benign.

Literature cited by the submitters: PubMed 31279624 (cited by Labcorp Genetics (formerly Invitae), Labcorp).